The following is an entry in ClinVar:

ClinVar aggregate classification (germline): Likely benign. Review status: criteria provided, multiple submitters, no conflicts (2 of 4 stars). 4 submissions from 4 submitters: Likely benign (4). Last evaluated 2025-09-04.

Conditions:
Oculofaciocardiodental syndrome (MCOPS2). Identifiers: Orphanet 2712, MedGen C1846265, MONDO:0010261, OMIM 300166.

Submissions (4):

Labcorp Genetics (formerly Invitae), Labcorp
Classification: Likely benign for Oculofaciocardiodental syndrome. Last evaluated: 2025-09-04. Review status: criteria provided, single submitter. Criteria: Invitae Variant Classification Sherloc (09022015). Collection method: clinical testing. Allele origin: germline.

Blueprint Genetics
Classification: Likely benign. Last evaluated: 2024-02-27. Review status: criteria provided, single submitter. Criteria: ACMG Guidelines, 2015. Collection method: clinical testing. Allele origin: germline.

Department of Pathology and Laboratory Medicine, Sinai Health System
Classification: Likely benign for microphthalmia, syndromic 2. Last evaluated: 2022-11-02. Review status: criteria provided, single submitter. Criteria: ACMG Guidelines, 2015. Collection method: research. Allele origin: germline.

GeneDx
Classification: Likely benign. Last evaluated: 2016-08-02. Review status: criteria provided, single submitter. Criteria: GeneDx Variant Classification (06012015). Collection method: clinical testing. Allele origin: germline. Affected: yes.
Comment: This variant is considered likely benign or benign based on one or more of the following criteria: it is a conservative change, it occurs at a poorly conserved position in the protein, it is predicted to be benign by multiple in silico algorithms, and/or has population frequency not consistent with disease.

NM_001123385.2(BCOR):c.932AGC[1] (p.Gln312del)

Genes: BCOR (BCL6 corepressor; minus strand), LOC126863239 (MED14-independent group 3 enhancer GRCh37_chrX:39932994-39934193; plus strand). Cytogenetic location: Xp11.4.
Variant type: Microsatellite.
Coding change: c.932AGC[1] on transcript NM_001123385.2 (MANE Select); one copy of the 3-base unit AGC starting at c.932; the reference has two copies in a row; one copy, 3 bases deleted.
Protein change: p.Gln312del; deletes glutamine 312.
Molecular consequence: inframe deletion. On other transcripts: inframe indel (1).
Genome position (GRCh38, 1-based): chrX:40,074,409-40,074,411, GCT deleted on the plus strand (AGC on the coding strand, the reverse complement: BCOR is on the minus strand); deleting any 3 consecutive bases within chrX:40,074,409-40,074,414 gives the same sequence; the position shown is the placement nearest the transcript's 3' end. VCF-style (leftmost placement, unchanged base first): chrX-40074408-GGCT-G. GRCh37 (hg19) VCF-style: chrX-39933661-GGCT-G.
Other names: c.932_934AGC[1], p.Gln312del (NM_001123383.2); c.932AGC[1], p.Gln312del (NM_001123384.2, NM_017745.6); short protein forms Q312del.
Identifiers: ClinVar variation 418060 (VCV000418060.11), dbSNP rs3840969, ClinGen allele CA10386991.